The following is an entry in ClinVar:

ClinVar aggregate classification (germline): Pathogenic/Likely pathogenic. Review status: criteria provided, multiple submitters, no conflicts (2 of 4 stars). 2 submissions from 2 submitters: Pathogenic (1); Likely pathogenic (1). Last evaluated 2026-03-31.

Allele frequency attached by ClinVar (database versions not stated): gnomAD exomes below 0.00001; gnomAD 0.00001; TOPMed 0.00001.
gnomAD v4.1: 3 of 1,076,996 alleles (0.00028%); highest among the groups gnomAD compares: African/African-American, 0.0037%; no homozygotes.

Submissions (2):

GeneDx
Classification: Likely pathogenic. Last evaluated: 2026-03-31. Review status: criteria provided, single submitter. Criteria: GeneDx Variant Classification Process June 2021. Collection method: clinical testing. Allele origin: germline.
Comment: Canonical splice site variant predicted to result in an in-frame loss of the adjacent exon in a gene for which loss of function is a known mechanism of disease; Not observed at significant frequency in large population cohorts (gnomAD); This variant is associated with the following publications: (PMID: 30647738, 38702915, 37334733)

Labcorp Genetics (formerly Invitae), Labcorp
Classification: Pathogenic. Last evaluated: 2025-09-02. Review status: criteria provided, single submitter. Criteria: Invitae Variant Classification Sherloc (09022015). Collection method: clinical testing. Allele origin: germline.
Comment: This sequence change affects an acceptor splice site in intron 5 of the TRAPPC2 gene. While this variant is not anticipated to result in nonsense mediated decay, it likely alters RNA splicing and results in a disrupted protein product. The frequency data for this variant in the population databases is considered unreliable, as metrics indicate poor data quality at this position in the gnomAD database. Disruption of this splice site has been observed in individuals with spondyloepiphyseal dysplasia tarda (PMID: 11349230, 30647738; internal data). It has also been observed to segregate with disease in related individuals. ClinVar contains an entry for this variant (Variation ID: 1492845). Variants that disrupt the consensus splice site are a relatively common cause of aberrant splicing (PMID: 17576681, 9536098). Algorithms developed to predict the effect of sequence changes on RNA splicing suggest that this variant may disrupt the consensus splice site. For these reasons, this variant has been classified as Pathogenic.

Literature cited by the submitters: PubMed 11349230 (cited by Labcorp Genetics (formerly Invitae), Labcorp); PubMed 30647738 (cited by Labcorp Genetics (formerly Invitae), Labcorp); PubMed 17576681 (cited by Labcorp Genetics (formerly Invitae), Labcorp); PubMed 9536098 (cited by Labcorp Genetics (formerly Invitae), Labcorp).

NM_001011658.4(TRAPPC2):c.325-1G>C

Genes: OFD1 (OFD1 centriole and centriolar satellite protein; plus strand), TRAPPC2 (trafficking protein particle complex subunit 2; minus strand). Cytogenetic location: Xp22.2.
Variant type: single nucleotide variant.
Coding change: c.325-1G>C on transcript NM_001011658.4 (MANE Select); the canonical splice acceptor site of the intron before coding-DNA position 325, G replaced by C.
Molecular consequence: splice acceptor variant.
Genome position (GRCh38, 1-based): chrX:13,714,506, C>G on the plus strand (G>C on the coding strand, the complement: TRAPPC2 is on the minus strand). VCF-style: chrX-13714506-C-G. GRCh37 (hg19) VCF-style: chrX-13732625-C-G.
Other names: c.325-1G>C (NM_014563.6); c.427-1G>C (NM_001128835.3).
Identifiers: ClinVar variation 1492845 (VCV001492845.11), dbSNP rs1312555296, ClinGen allele CA412322752.